The following is an entry in ClinVar:

NM_017617.5(NOTCH1):c.2768C>T (p.Thr923Ile)

Gene: NOTCH1 (notch receptor 1; minus strand). Cytogenetic location: 9q34.3.
Variant type: single nucleotide variant.
Coding change: c.2768C>T on transcript NM_017617.5 (MANE Select); coding-DNA position 2768, C replaced by T.
Protein change: p.Thr923Ile; replaces threonine 923 with isoleucine.
Molecular consequence: missense variant.
Genome position (GRCh38, 1-based): chr9:136,509,934, G>A on the plus strand (C>T on the coding strand, the complement: NOTCH1 is on the minus strand). VCF-style: chr9-136509934-G-A. GRCh37 (hg19) VCF-style: chr9-139404386-G-A.
Other names: short protein forms T923I.
Identifiers: ClinVar variation 1795761 (VCV001795761.6), dbSNP rs1185244056, ClinGen allele CA375553877.

ClinVar aggregate classification (germline): Uncertain significance. Review status: criteria provided, multiple submitters, no conflicts (2 of 4 stars). 2 submissions from 2 submitters: Uncertain significance (2). Last evaluated 2025-12-10.

Conditions:
Adams-Oliver syndrome 5 (AOS5). Identifiers: Orphanet 974, MedGen C4014970, MONDO:0014459, OMIM 616028.
Familial thoracic aortic aneurysm and aortic dissection (TAAD). Also called: Thoracic aortic aneurysms and dissections. Identifiers: Orphanet 91387, MedGen C4707243, MONDO:0019625.

Allele frequency attached by ClinVar (database versions not stated): gnomAD exomes below 0.00001.
gnomAD v4.1: 4 of 1,613,262 alleles (0.00025%); highest among the groups gnomAD compares: Non-Finnish European, 0.00017%; no homozygotes.

Submissions (2):

Ambry Genetics
Classification: Uncertain significance for Familial thoracic aortic aneurysm and aortic dissection. Last evaluated: 2025-12-10. Review status: criteria provided, single submitter. Criteria: Ambry Variant Classification Scheme 2023. Collection method: clinical testing. Allele origin: germline.

Labcorp Genetics (formerly Invitae), Labcorp
Classification: Uncertain significance for Adams-Oliver syndrome 5. Last evaluated: 2025-03-11. Review status: criteria provided, single submitter. Criteria: Invitae Variant Classification Sherloc (09022015). Collection method: clinical testing. Allele origin: germline.
Comment: This sequence change replaces threonine, which is neutral and polar, with isoleucine, which is neutral and non-polar, at codon 923 of the NOTCH1 protein (p.Thr923Ile). This variant is not present in population databases (gnomAD no frequency). This variant has not been reported in the literature in individuals affected with NOTCH1-related conditions. ClinVar contains an entry for this variant (Variation ID: 1795761). Invitae Evidence Modeling of protein sequence and biophysical properties (such as structural, functional, and spatial information, amino acid conservation, physicochemical variation, residue mobility, and thermodynamic stability) indicates that this missense variant is not expected to disrupt NOTCH1 protein function with a negative predictive value of 80%. In summary, the available evidence is currently insufficient to determine the role of this variant in disease. Therefore, it has been classified as a Variant of Uncertain Significance.